The following is an entry in ClinVar:

ClinVar aggregate classification (germline): Pathogenic (1 of 4 stars; one submission).

Conditions:
Hereditary cancer-predisposing syndrome. Also called: Tumor predisposition; Neoplastic Syndromes, Hereditary; Hereditary neoplastic syndrome; Hereditary Cancer Syndrome. Identifiers: Orphanet 140162, MedGen C0027672, MeSH D009386, MONDO:0015356.

Submission:

Ambry Genetics
Classification: Pathogenic for Hereditary cancer-predisposing syndrome. Last evaluated: 2025-09-12. Review status: criteria provided, single submitter. Criteria: Ambry Variant Classification Scheme 2023. Collection method: clinical testing. Allele origin: germline.
Comment: The c.1020delT pathogenic mutation, located in coding exon 6 of the MSH3 gene, results from a deletion of one nucleotide at nucleotide position 1020, causing a translational frameshift with a predicted alternate stop codon (p.I340Mfs*5). This variant is considered to be rare based on population cohorts in the Genome Aggregation Database (gnomAD). This alteration is expected to result in loss of function by premature protein truncation or nonsense-mediated mRNA decay. As such, this alteration is interpreted as a disease-causing mutation.

NM_002439.5(MSH3):c.1020del (p.Ile340fs)

Genes: MSH3 (mutS homolog 3; plus strand), LOC126807437 (MED14-independent group 3 enhancer GRCh37_chr5:79968379-79969578; plus strand). Cytogenetic location: 5q14.1.
Variant type: Deletion.
Coding change: c.1020del on transcript NM_002439.5 (MANE Select); coding-DNA position 1020, one base deleted (T; older notation c.1020delT).
Protein change: p.Ile340fs; shifts the reading frame from isoleucine 340.
Molecular consequence: frameshift variant.
Genome position (GRCh38, 1-based): chr5:80,672,851, T deleted; the last of 2 consecutive T bases (chr5:80,672,850-80,672,851); deleting either gives the same sequence. VCF-style (leftmost placement, unchanged base first): chr5-80672849-AT-A. GRCh37 (hg19) VCF-style: chr5-79968668-AT-A.
Other names: short protein forms I340fs.
Identifiers: ClinVar variation 4111127 (VCV004111127.1).